The following is an entry in ClinVar:

ClinVar aggregate classification (germline): Uncertain significance (1 of 4 stars; one submission).

Conditions:
Inborn genetic diseases. Identifiers: MedGen C0950123, MeSH D030342.

Submission:

Ambry Genetics
Classification: Uncertain significance for Inborn genetic diseases. Last evaluated: 2024-07-13. Review status: criteria provided, single submitter. Criteria: Ambry Variant Classification Scheme 2023. Collection method: clinical testing. Allele origin: germline.
Comment: The p.T1404I variant (also known as c.4211C>T), located in coding exon 30 of the LRRK2 gene, results from a C to T substitution at nucleotide position 4211. The threonine at codon 1404 is replaced by isoleucine, an amino acid with similar properties. This amino acid position is conserved. In addition, the in silico prediction for this alteration is inconclusive. Based on the available evidence, the clinical significance of this variant remains unclear.

NM_198578.4(LRRK2):c.4211C>T (p.Thr1404Ile)

Gene: LRRK2 (leucine rich repeat kinase 2; plus strand). Cytogenetic location: 12q12.
Variant type: single nucleotide variant.
Coding change: c.4211C>T on transcript NM_198578.4 (MANE Select); coding-DNA position 4211, C replaced by T.
Protein change: p.Thr1404Ile; replaces threonine 1404 with isoleucine.
Molecular consequence: missense variant.
Genome position (GRCh38, 1-based): chr12:40,309,127, C>T. VCF-style: chr12-40309127-C-T. GRCh37 (hg19) VCF-style: chr12-40702929-C-T.
Other names: short protein forms T1404I.
Identifiers: ClinVar variation 3540575 (VCV003540575.1).